The following is an entry in ClinVar:

ClinVar aggregate classification (germline): Uncertain significance. Review status: criteria provided, multiple submitters, no conflicts (2 of 4 stars). 2 submissions from 2 submitters: Uncertain significance (2). Last evaluated 2024-11-06.

Conditions:
Cardiovascular phenotype. Identifiers: MedGen CN230736.
Hypertrophic cardiomyopathy 14. Identifiers: MedGen C2750467, MONDO:0013197, OMIM 613251.

Submissions (2):

Labcorp Genetics (formerly Invitae), Labcorp
Classification: Uncertain significance for Hypertrophic cardiomyopathy 14. Last evaluated: 2024-11-06. Review status: criteria provided, single submitter. Criteria: Invitae Variant Classification Sherloc (09022015). Collection method: clinical testing. Allele origin: germline.
Comment: This sequence change replaces methionine, which is neutral and non-polar, with leucine, which is neutral and non-polar, at codon 547 of the MYH6 protein (p.Met547Leu). This variant is not present in population databases (gnomAD no frequency). This variant has not been reported in the literature in individuals affected with MYH6-related conditions. ClinVar contains an entry for this variant (Variation ID: 1776986). Invitae Evidence Modeling of protein sequence and biophysical properties (such as structural, functional, and spatial information, amino acid conservation, physicochemical variation, residue mobility, and thermodynamic stability) indicates that this missense variant is not expected to disrupt MYH6 protein function with a negative predictive value of 80%. In summary, the available evidence is currently insufficient to determine the role of this variant in disease. Therefore, it has been classified as a Variant of Uncertain Significance.

Ambry Genetics
Classification: Uncertain significance for Cardiovascular phenotype. Last evaluated: 2020-12-23. Review status: criteria provided, single submitter. Criteria: Ambry Variant Classification Scheme 2023. Collection method: clinical testing. Allele origin: germline.
Comment: The p.M547L variant (also known as c.1639A>T), located in coding exon 13 of the MYH6 gene, results from an A to T substitution at nucleotide position 1639. The methionine at codon 547 is replaced by leucine, an amino acid with highly similar properties. This amino acid position is not well conserved in available vertebrate species. In addition, this alteration is predicted to be tolerated by in silico analysis. Since supporting evidence is limited at this time, the clinical significance of this alteration remains unclear.

NM_002471.4(MYH6):c.1639A>T (p.Met547Leu)

Gene: MYH6 (myosin heavy chain 6; minus strand). Cytogenetic location: 14q11.2.
Variant type: single nucleotide variant.
Coding change: c.1639A>T on transcript NM_002471.4 (MANE Select); coding-DNA position 1639, A replaced by T.
Protein change: p.Met547Leu; replaces methionine 547 with leucine.
Molecular consequence: missense variant.
Genome position (GRCh38, 1-based): chr14:23,398,980, T>A on the plus strand (A>T on the coding strand, the complement: MYH6 is on the minus strand). VCF-style: chr14-23398980-T-A. GRCh37 (hg19) VCF-style: chr14-23868189-T-A.
Other names: short protein forms M547L.
Identifiers: ClinVar variation 1776986 (VCV001776986.4), dbSNP rs760722098, ClinGen allele CA389020920.